The following is an entry in ClinVar:

ClinVar aggregate classification (germline): Uncertain significance. Review status: criteria provided, multiple submitters, no conflicts (2 of 4 stars). 2 submissions from 2 submitters: Uncertain significance (2). Last evaluated 2025-12-03.

Allele frequency attached by ClinVar (database versions not stated): gnomAD 0.00001; gnomAD exomes 0.00001.
gnomAD v4.1: 10 of 1,607,070 alleles (0.00062%); highest among the groups gnomAD compares: East Asian, 0.0022%; no homozygotes.

Submissions (2):

Labcorp Genetics (formerly Invitae), Labcorp
Classification: Uncertain significance. Last evaluated: 2025-12-03. Review status: criteria provided, single submitter. Criteria: Invitae Variant Classification Sherloc (09022015). Collection method: clinical testing. Allele origin: germline.
Comment: This sequence change replaces arginine, which is basic and polar, with glutamine, which is neutral and polar, at codon 307 of the KLHDC8B protein (p.Arg307Gln). This variant is present in population databases (no rsID available, gnomAD 0.004%). This variant has not been reported in the literature in individuals affected with KLHDC8B-related conditions. ClinVar contains an entry for this variant (Variation ID: 2277777). An algorithm developed to predict the effect of missense changes on protein structure and function (PolyPhen-2) suggests that this variant is likely to be tolerated. In summary, the available evidence is currently insufficient to determine the role of this variant in disease. Therefore, it has been classified as a Variant of Uncertain Significance.

Ambry Genetics
Classification: Uncertain significance. Last evaluated: 2022-02-17. Review status: criteria provided, single submitter. Criteria: Ambry Variant Classification Scheme 2023. Collection method: clinical testing. Allele origin: germline.

NM_173546.3(KLHDC8B):c.920G>A (p.Arg307Gln)

Gene: KLHDC8B (kelch domain containing 8B; plus strand). Cytogenetic location: 3p21.31.
Variant type: single nucleotide variant.
Coding change: c.920G>A on transcript NM_173546.3 (MANE Select); coding-DNA position 920, G replaced by A.
Protein change: p.Arg307Gln; replaces arginine 307 with glutamine.
Molecular consequence: missense variant.
Genome position (GRCh38, 1-based): chr3:49,175,656, G>A. VCF-style: chr3-49175656-G-A. GRCh37 (hg19) VCF-style: chr3-49213089-G-A.
Other names: short protein forms R307Q.
Identifiers: ClinVar variation 2277777 (VCV002277777.3), dbSNP rs1014237716, ClinGen allele CA74525564.